The following is an entry in ClinVar:

NM_015662.3(IFT172):c.854A>G (p.Asn285Ser)

Gene: IFT172 (intraflagellar transport 172; minus strand). Cytogenetic location: 2p23.3.
Variant type: single nucleotide variant.
Coding change: c.854A>G on transcript NM_015662.3 (MANE Select); coding-DNA position 854, A replaced by G.
Protein change: p.Asn285Ser; replaces asparagine 285 with serine.
Molecular consequence: missense variant.
Genome position (GRCh38, 1-based): chr2:27,480,081, T>C on the plus strand (A>G on the coding strand, the complement: IFT172 is on the minus strand). VCF-style: chr2-27480081-T-C. GRCh37 (hg19) VCF-style: chr2-27702948-T-C.
Other names: short protein forms N285S.
Identifiers: ClinVar variation 1511658 (VCV001511658.7), dbSNP rs975683128, ClinGen allele CA44515361.

ClinVar aggregate classification (germline): Uncertain significance. Review status: criteria provided, multiple submitters, no conflicts (2 of 4 stars). 2 submissions from 2 submitters: Uncertain significance (2). Last evaluated 2024-03-23.

Conditions:
Retinitis pigmentosa 71 (RP71). Identifiers: Orphanet 791, MedGen C4225342, MONDO:0014618, OMIM 616394.
Bardet-Biedl syndrome 20. Identifiers: MedGen C4310707, MONDO:0023670, OMIM 619471, MONDO:0014926.
Short-rib thoracic dysplasia 10 with or without polydactyly (SRTD10). Identifiers: Orphanet 474, MedGen C3810175, MONDO:0014284, OMIM 615630.

Allele frequency attached by ClinVar (database versions not stated): gnomAD 0.00001; gnomAD exomes 0.00001; TOPMed 0.00001.
gnomAD v4.1: 5 of 1,613,882 alleles (0.00031%); highest among the groups gnomAD compares: Non-Finnish European, 0.00042%; no homozygotes.

Submissions (2):

Fulgent Genetics
Classification: Uncertain significance for Short-rib thoracic dysplasia 10 with or without polydactyly; Retinitis pigmentosa 71; Bardet-Biedl syndrome 20. Last evaluated: 2024-03-23. Review status: criteria provided, single submitter. Criteria: ACMG Guidelines, 2015. Collection method: clinical testing. Allele origin: germline.

Labcorp Genetics (formerly Invitae), Labcorp
Classification: Uncertain significance for Retinitis pigmentosa 71; Short-rib thoracic dysplasia 10 with or without polydactyly. Last evaluated: 2022-03-20. Review status: criteria provided, single submitter. Criteria: Invitae Variant Classification Sherloc (09022015). Collection method: clinical testing. Allele origin: germline.
Comment: This sequence change replaces asparagine, which is neutral and polar, with serine, which is neutral and polar, at codon 285 of the IFT172 protein (p.Asn285Ser). This variant is present in population databases (no rsID available, gnomAD 0.0009%). This variant has not been reported in the literature in individuals affected with IFT172-related conditions. In summary, the available evidence is currently insufficient to determine the role of this variant in disease. Therefore, it has been classified as a Variant of Uncertain Significance. Algorithms developed to predict the effect of missense changes on protein structure and function are either unavailable or do not agree on the potential impact of this missense change (SIFT: "Tolerated"; PolyPhen-2: "Possibly Damaging"; Align-GVGD: "Class C0").